The following is an entry in ClinVar:

ClinVar aggregate classification (germline): Uncertain significance (1 of 4 stars; one submission).

Conditions:
Inborn genetic diseases. Identifiers: MedGen C0950123, MeSH D030342.

gnomAD v4.1: 1 of 1,614,124 alleles (0.000062%); highest among the groups gnomAD compares: South Asian, 0.0011%; no homozygotes.

Submission:

Ambry Genetics
Classification: Uncertain significance for Inborn genetic diseases. Last evaluated: 2025-05-16. Review status: criteria provided, single submitter. Criteria: Ambry Variant Classification Scheme 2023. Collection method: clinical testing. Allele origin: germline.
Comment: The p.V157A variant (also known as c.470T>C), located in coding exon 1 of the FANCM gene, results from a T to C substitution at nucleotide position 470. The valine at codon 157 is replaced by alanine, an amino acid with similar properties. This amino acid position is conserved. In addition, this alteration is predicted to be tolerated by in silico analysis. Based on the available evidence, the clinical significance of this variant remains unclear.

NM_020937.4(FANCM):c.470T>C (p.Val157Ala)

Gene: FANCM (FA complementation group M; plus strand). Cytogenetic location: 14q21.2.
Variant type: single nucleotide variant.
Coding change: c.470T>C on transcript NM_020937.4 (MANE Select); coding-DNA position 470, T replaced by C.
Protein change: p.Val157Ala; replaces valine 157 with alanine.
Molecular consequence: missense variant.
Genome position (GRCh38, 1-based): chr14:45,136,501, T>C. VCF-style: chr14-45136501-T-C. GRCh37 (hg19) VCF-style: chr14-45605704-T-C.
Other names: c.470T>C, p.Val157Ala (NM_001308133.2, NM_001308134.2); short protein forms V157A.
Identifiers: ClinVar variation 4022781 (VCV004022781.1).